The following is an entry in ClinVar:

ClinVar aggregate classification (germline): Pathogenic (1 of 4 stars; one submission).

Submission:

Labcorp Genetics (formerly Invitae), Labcorp
Classification: Pathogenic. Last evaluated: 2021-10-23. Review status: criteria provided, single submitter. Criteria: Invitae Variant Classification Sherloc (09022015). Collection method: clinical testing. Allele origin: germline.
Comment: For these reasons, this variant has been classified as Pathogenic. This variant has not been reported in the literature in individuals affected with CPLANE1-related conditions. This variant is not present in population databases (gnomAD no frequency). This sequence change creates a premature translational stop signal (p.Ser2186Argfs*99) in the CPLANE1 gene. It is expected to result in an absent or disrupted protein product. Loss-of-function variants in CPLANE1 are known to be pathogenic (PMID: 24178751, 26092869).

Literature cited by the submitters: PubMed 24178751; PubMed 26092869.

NM_001384732.1(CPLANE1):c.6556del (p.Ser2186fs)

Gene: CPLANE1 (ciliogenesis and planar polarity effector complex subunit 1; minus strand). Cytogenetic location: 5p13.2.
Variant type: Deletion.
Coding change: c.6556del on transcript NM_001384732.1 (MANE Select); coding-DNA position 6556, one base deleted (T; older notation c.6556delT).
Protein change: p.Ser2186fs; shifts the reading frame from serine 2186.
Molecular consequence: frameshift variant.
Genome position (GRCh38, 1-based): chr5:37,169,468, A deleted on the plus strand (T on the coding strand, the reverse complement: CPLANE1 is on the minus strand); the first of 2 consecutive A bases (chr5:37,169,468-37,169,469); deleting either gives the same sequence. VCF-style (leftmost placement, unchanged base first): chr5-37169467-GA-G. GRCh37 (hg19) VCF-style: chr5-37169569-GA-G.
Other names: c.6556del, p.Ser2186fs (NM_023073.4); short protein forms S2186fs.
Identifiers: ClinVar variation 1456335 (VCV001456335.6), dbSNP rs2150940890, ClinGen allele CA2573139720.